The following is an entry in ClinVar:

ClinVar aggregate classification (germline): Pathogenic (1 of 4 stars; one submission).

Submission:

MVZ Dr. Eberhard & Partner Dortmund
Classification: Pathogenic. Last evaluated: 2018-04-10. Review status: criteria provided, single submitter. Criteria: ACMG Guidelines, 2015. Collection method: clinical testing. Allele origin: unknown. Observed: 1 heterozygote.
Comment: Deletion causes stop after 78 amino acids which affects the spectrin binding site of ANK1

NM_000037.4(ANK1):c.3408_3427del (p.Arg1137fs)

Gene: ANK1 (ankyrin 1; minus strand). Cytogenetic location: 8p11.21.
Variant type: Deletion.
Coding change: c.3408_3427del on transcript NM_000037.4 (MANE Select); coding-DNA positions 3408 to 3427, 20 bases deleted (CCGGCGCCGGAAGTTCCACC).
Protein change: p.Arg1137fs; shifts the reading frame from arginine 1137.
Molecular consequence: frameshift variant.
Genome position (GRCh38, 1-based): chr8:41,694,003-41,694,022, GGTGGAACTTCCGGCGCCGG deleted on the plus strand (CCGGCGCCGGAAGTTCCACC on the coding strand, the reverse complement: ANK1 is on the minus strand); deleting any 20 consecutive bases within chr8:41,694,003-41,694,024 gives the same sequence; the c. name uses the placement nearest the transcript's 3' end. VCF-style (leftmost placement, unchanged base first): chr8-41694002-CGGTGGAACTTCCGGCGCCGG-C. GRCh37 (hg19) VCF-style: chr8-41551520-CGGTGGAACTTCCGGCGCCGG-C.
Other names: c.3531_3550del, p.Arg1178fs (NM_001142446.2); c.3408_3427del, p.Arg1137fs (NM_020475.3, NM_020476.3, NM_020477.3); short protein forms R1178fs, R1137fs.
Identifiers: ClinVar variation 559408 (VCV000559408.2), dbSNP rs1554544862, ClinGen allele CA658822869.